The following is an entry in ClinVar:

NM_004638.4(PRRC2A):c.317C>T (p.Pro106Leu)

Gene: PRRC2A (proline rich coiled-coil 2A; plus strand). Cytogenetic location: 6p21.33.
Variant type: single nucleotide variant.
Coding change: c.317C>T on transcript NM_004638.4 (MANE Select); coding-DNA position 317, C replaced by T.
Protein change: p.Pro106Leu; replaces proline 106 with leucine.
Molecular consequence: missense variant.
Genome position (GRCh38, 1-based): chr6:31,624,287, C>T. VCF-style: chr6-31624287-C-T. GRCh37 (hg19) VCF-style: chr6-31592064-C-T.
Other names: c.317C>T, p.Pro106Leu (NM_080686.3); short protein forms P106L.
Identifiers: ClinVar variation 3059974 (VCV003059974.2), dbSNP rs2280801, ClinGen allele CA3715013.

ClinVar aggregate classification (germline): Benign (0 of 4 stars; one submission).

Conditions:
PRRC2A-related disorder. Also called: PRRC2A-related condition.

Allele frequency attached by ClinVar (database versions not stated): ESP Exome Variant Server 0.04301; TOPMed 0.04503; gnomAD 0.04730; ExAC 0.06579; 1000 Genomes Project 30x 0.09681; 1000 Genomes Project 0.10403.
gnomAD v4.1: 94,910 of 1,613,766 alleles (5.9%); highest among the groups gnomAD compares: East Asian, 15%; 3,652 homozygotes.

Submission:

PreventionGenetics, part of Exact Sciences
Classification: Benign for PRRC2A-related condition. Last evaluated: 2019-04-08. Review status: no assertion criteria provided. Collection method: clinical testing. Allele origin: germline.
Comment: This variant is classified as benign based on ACMG/AMP sequence variant interpretation guidelines (Richards et al. 2015 PMID: 25741868, with internal and published modifications).